The following is an entry in ClinVar:

NM_058246.4(DNAJB6):c.672A>C (p.Leu224Phe)

Gene: DNAJB6 (DnaJ heat shock protein family (Hsp40) member B6; plus strand). Cytogenetic location: 7q36.3.
Variant type: single nucleotide variant.
Coding change: c.672A>C on transcript NM_058246.4 (MANE Select); coding-DNA position 672, A replaced by C.
Protein change: p.Leu224Phe; replaces leucine 224 with phenylalanine.
Molecular consequence: missense variant. On other transcripts: intron variant (1).
Genome position (GRCh38, 1-based): chr7:157,385,592, A>C. VCF-style: chr7-157385592-A-C. GRCh37 (hg19) VCF-style: chr7-157178286-A-C.
Other names: p.Leu224Phe; c.672A>C, p.Leu224Phe (NM_005494.3); c.346+18109A>C (NM_001363676.1); short protein forms L224F.
Identifiers: ClinVar variation 3379800 (VCV003379800.1).

ClinVar aggregate classification (germline): Uncertain significance (1 of 4 stars; one submission).

Submission:

Mayo Clinic Laboratories, Mayo Clinic
Classification: Uncertain significance. Last evaluated: 2024-06-03. Review status: criteria provided, single submitter. Criteria: ACMG Guidelines, 2015. Collection method: clinical testing. Allele origin: germline. Observed: 1 variant allele.
Comment: PM2